The following is an entry in ClinVar:

NM_004369.4(COL6A3):c.727A>G (p.Ile243Val)

Gene: COL6A3 (collagen type VI alpha 3 chain; minus strand). Cytogenetic location: 2q37.3.
Variant type: single nucleotide variant.
Coding change: c.727A>G on transcript NM_004369.4 (MANE Select); coding-DNA position 727, A replaced by G.
Protein change: p.Ile243Val; replaces isoleucine 243 with valine.
Molecular consequence: missense variant. On other transcripts: intron variant (2).
Genome position (GRCh38, 1-based): chr2:237,388,167, T>C on the plus strand (A>G on the coding strand, the complement: COL6A3 is on the minus strand). VCF-style: chr2-237388167-T-C. GRCh37 (hg19) VCF-style: chr2-238296810-T-C.
Other names: c.109A>G, p.Ile37Val (NM_057165.5, NM_057167.4); c.92-6668A>G (NM_057166.5, NM_057164.5); short protein forms I37V, I243V.
Identifiers: ClinVar variation 4750293 (VCV004750293.1).
Genomic context (GRCh38, chr2:237,388,167, plus strand): 5'-CGAGAATGACTGCGAAATTGACACTTCCGGTGTTGTTTGATCCATCAATAAGGAAAATAA[T>C]GTCAGCAGAGTCTTGTGCTTTAAAAGAAAGAAATGCAAAAAATGTGAAAGCATTAGAACA-3'
Protein context (NP_004360.2, residues 233-253): KDITAQDSAD[Ile243Val]IFLIDGSNNT

ClinVar aggregate classification (germline): Uncertain significance (1 of 4 stars; one submission).

Conditions:
Bethlem myopathy 1A. Also called: Bethlem myopathy 1; Bethlem Muscular Dystrophy; MYOPATHY, BENIGN CONGENITAL, WITH CONTRACTURES. Identifiers: Orphanet 610, MedGen CN029274, MONDO:0024530, OMIM 158810.

gnomAD v4.1: 1 of 1,614,066 alleles (0.000062%); no homozygotes.

Submission:

Labcorp Genetics (formerly Invitae), Labcorp
Classification: Uncertain significance for Bethlem myopathy 1A. Last evaluated: 2025-10-08. Review status: criteria provided, single submitter. Criteria: Invitae Variant Classification Sherloc (09022015). Collection method: clinical testing. Allele origin: germline.
Comment: This sequence change replaces isoleucine, which is neutral and non-polar, with valine, which is neutral and non-polar, at codon 243 of the COL6A3 protein (p.Ile243Val). This variant is not present in population databases (gnomAD no frequency). This variant has not been reported in the literature in individuals affected with COL6A3-related conditions. Invitae Evidence Modeling of protein sequence and biophysical properties (such as structural, functional, and spatial information, amino acid conservation, physicochemical variation, residue mobility, and thermodynamic stability) indicates that this missense variant is not expected to disrupt COL6A3 protein function with a negative predictive value of 95%. In summary, the available evidence is currently insufficient to determine the role of this variant in disease. Therefore, it has been classified as a Variant of Uncertain Significance.